The following is an entry in ClinVar:

ClinVar aggregate classification (germline): Uncertain significance. Review status: reviewed by expert panel (3 of 4 stars). 2 submissions from 2 submitters: Uncertain significance (1). 1 of the submissions does not count toward it. Last evaluated 2024-09-12.

Conditions:
Hereditary thrombocytopenia and hematological cancer predisposition syndrome associated with RUNX1. Also called: Familial Platelet Disorder with Propensity to Acute Myelogenous Leukemia; Familial thrombocytopenia with propensity to acute myelogenous leukemia; PLATELET DISORDER, ASPIRIN-LIKE; RUNX1 Familial Platelet Disorder with Associated Myeloid Malignancies. Identifiers: Orphanet 71290, MedGen C1832388, MeSH C563324, MONDO:0100083, OMIM 601399.
Hereditary thrombocytopenia and hematologic cancer predisposition syndrome. Identifiers: Orphanet 71290, MedGen CN281654, MONDO:0011071.

Submissions (2):

ClinGen Myeloid Malignancy Variant Curation Expert Panel
Classification: Uncertain significance for Hereditary thrombocytopenia and hematologic cancer predisposition syndrome. Last evaluated: 2024-09-12. Review status: reviewed by expert panel. Criteria: ClinGen MyeloMalig ACMG Specifications v2. Collection method: curation. Allele origin: germline. Inheritance: Autosomal dominant inheritance.
Comment: NM_001754.5(RUNX1):c.1357G>A (p.Val453Met) is a missense variant which has not been observed in any population according to gnomAD (PM2_Supporting). The nucleotide substitution is not predicted to disrupt splicing (SpliceAI score = 0.00), and the amino acid change is not predicted to be disruptive to protein function (REVEL score 0.186, < 0.5) (BP4). Functional evidence is not available in the literature, and there are no published cases with this variant. Overall, the clinical significance of this variant is uncertain. ACMG/AMP criteria applied, as specified by the Myeloid Malignancy Variant Curation Expert Panel for RUNX1: PM2_Supporting, BP4.

Labcorp Genetics (formerly Invitae), Labcorp
Classification: Uncertain significance for Hereditary thrombocytopenia and hematological cancer predisposition syndrome associated with RUNX1. Last evaluated: 2023-03-08. Review status: criteria provided, single submitter. Criteria: Invitae Variant Classification Sherloc (09022015). Collection method: clinical testing. Allele origin: germline. Not counted in ClinVar's aggregate classification.
Comment: In summary, the available evidence is currently insufficient to determine the role of this variant in disease. Therefore, it has been classified as a Variant of Uncertain Significance. Advanced modeling of protein sequence and biophysical properties (such as structural, functional, and spatial information, amino acid conservation, physicochemical variation, residue mobility, and thermodynamic stability) has been performed at Invitae for this missense variant, however the output from this modeling did not meet the statistical confidence thresholds required to predict the impact of this variant on RUNX1 protein function. This variant has not been reported in the literature in individuals affected with RUNX1-related conditions. This variant is not present in population databases (gnomAD no frequency). This sequence change replaces valine, which is neutral and non-polar, with methionine, which is neutral and non-polar, at codon 453 of the RUNX1 protein (p.Val453Met).

NM_001754.5(RUNX1):c.1357G>A (p.Val453Met)

Gene: RUNX1 (RUNX family transcription factor 1; minus strand). Cytogenetic location: 21q22.12.
Variant type: single nucleotide variant.
Coding change: c.1357G>A on transcript NM_001754.5 (MANE Select); coding-DNA position 1357, G replaced by A.
Protein change: p.Val453Met; replaces valine 453 with methionine.
Molecular consequence: missense variant.
Genome position (GRCh38, 1-based): chr21:34,792,221, C>T on the plus strand (G>A on the coding strand, the complement: RUNX1 is on the minus strand). VCF-style: chr21-34792221-C-T. GRCh37 (hg19) VCF-style: chr21-36164518-C-T.
Other names: NM_001754.5(RUNX1):c.1357G>A; p.Val453Met; c.1276G>A, p.Val426Met (NM_001001890.3); short protein forms V426M, V453M.
Identifiers: ClinVar variation 2737781 (VCV002737781.4), dbSNP rs1256636876, ClinGen allele CA410147163.